The following is an entry in ClinVar:

NM_022047.4(DEF6):c.1053G>C (p.Gln351His)

Gene: DEF6 (DEF6 guanine nucleotide exchange factor; plus strand). Cytogenetic location: 6p21.31.
Variant type: single nucleotide variant.
Coding change: c.1053G>C on transcript NM_022047.4 (MANE Select); coding-DNA position 1053, G replaced by C.
Protein change: p.Gln351His; replaces glutamine 351 with histidine.
Molecular consequence: missense variant.
Genome position (GRCh38, 1-based): chr6:35,318,309, G>C. VCF-style: chr6-35318309-G-C. GRCh37 (hg19) VCF-style: chr6-35286086-G-C.
Other names: short protein forms Q351H.
Identifiers: ClinVar variation 1017147 (VCV001017147.10), dbSNP rs1431617302, ClinGen allele CA363766634.
Genomic context (GRCh38, chr6:35,318,309, plus strand): 5'-GCAGCGGGAGCAGCGGGAGCGGCGCCGGGCGGCCAAGGAAGAGGAGCTGCTGCGGCTGCA[G>C]CAGCTGCAGGAGGAGAAGGAGCGGAAGCTGCAGGAGCTGGAGCTGCTGCAGGAGGCGCAG-3'
Protein context (NP_071330.3, residues 341-361): AAKEEELLRL[Gln351His]QLQEEKERKL

ClinVar aggregate classification (germline): Uncertain significance (1 of 4 stars; one submission).

gnomAD v4.1: 1 of 1,551,274 alleles (0.000064%); no homozygotes.

Submission:

Labcorp Genetics (formerly Invitae), Labcorp
Classification: Uncertain significance. Last evaluated: 2025-11-03. Review status: criteria provided, single submitter. Criteria: Invitae Variant Classification Sherloc (09022015). Collection method: clinical testing. Allele origin: germline.
Comment: This sequence change replaces glutamine, which is neutral and polar, with histidine, which is basic and polar, at codon 351 of the DEF6 protein (p.Gln351His). This variant is not present in population databases (gnomAD no frequency). This variant has not been reported in the literature in individuals affected with DEF6-related conditions. ClinVar contains an entry for this variant (Variation ID: 1017147). An algorithm developed to predict the effect of missense changes on protein structure and function outputs the following: PolyPhen-2: "Benign". The histidine amino acid residue is found in multiple mammalian species, which suggests that this missense change does not adversely affect protein function. In summary, the available evidence is currently insufficient to determine the role of this variant in disease. Therefore, it has been classified as a Variant of Uncertain Significance.